The following is an entry in ClinVar:

ClinVar aggregate classification (germline): Uncertain significance (1 of 4 stars; one submission).

Submission:

Labcorp Genetics (formerly Invitae), Labcorp
Classification: Uncertain significance. Last evaluated: 2023-12-25. Review status: criteria provided, single submitter. Criteria: Invitae Variant Classification Sherloc (09022015). Collection method: clinical testing. Allele origin: germline.
Comment: This sequence change replaces alanine, which is neutral and non-polar, with threonine, which is neutral and polar, at codon 266 of the KCNK4 protein (p.Ala266Thr). This variant is not present in population databases (gnomAD no frequency). This variant has not been reported in the literature in individuals affected with KCNK4-related conditions. An algorithm developed to predict the effect of missense changes on protein structure and function (PolyPhen-2) suggests that this variant is likely to be disruptive. In summary, the available evidence is currently insufficient to determine the role of this variant in disease. Therefore, it has been classified as a Variant of Uncertain Significance.

NM_033310.3(KCNK4):c.796G>A (p.Ala266Thr)

Genes: KCNK4 (potassium two pore domain channel subfamily K member 4; plus strand), KCNK4-CATSPERZ (KCNK4-CATSPERZ readthrough (NMD candidate); plus strand). Cytogenetic location: 11q13.1.
Variant type: single nucleotide variant.
Coding change: c.796G>A on transcript NM_033310.3 (MANE Select); coding-DNA position 796, G replaced by A.
Protein change: p.Ala266Thr; replaces alanine 266 with threonine.
Molecular consequence: missense variant. On other transcripts: non-coding transcript variant (3).
Genome position (GRCh38, 1-based): chr11:64,298,244, G>A. VCF-style: chr11-64298244-G-A. GRCh37 (hg19) VCF-style: chr11-64065716-G-A.
Other names: c.796G>A, p.Ala266Thr (NM_001317090.2, NM_033311.1); short protein forms A266T.
Identifiers: ClinVar variation 2782247 (VCV002782247.3), dbSNP rs2495695131, ClinGen allele CA381066529.
Genomic context (GRCh38, chr11:64,298,244, plus strand): 5'-TTCGCCTCAGTGCTCACCACCATCGGGAACTGGCTGCGAGTAGTGTCCCGCCGCACTCGG[G>A]CAGAGGTAGGCGCCCCAGGGTTGGCACTGTGCCTGCGCACTGTGGTGCAAATGTGCTGTT-3'
Protein context (NP_201567.1, residues 256-276): WLRVVSRRTR[Ala266Thr]EMGGLTAQAA